The following is an entry in ClinVar:

ClinVar aggregate classification (germline): Uncertain significance (1 of 4 stars; one submission).

Submission:

CeGaT Center for Human Genetics Tuebingen
Classification: Uncertain significance. Last evaluated: 2023-08-01. Review status: criteria provided, single submitter. Criteria: CeGaT Center For Human Genetics Tuebingen Variant Classification Criteria Version 2. Collection method: clinical testing. Allele origin: germline. Affected: yes. Observed: 1 variant allele.
Comment: CFAP74: PM2, PVS1:Moderate, PM3:Supporting

NM_001304360.2(CFAP74):c.785+1G>A

Gene: CFAP74 (cilia and flagella associated protein 74; minus strand). Cytogenetic location: 1p36.33.
Variant type: single nucleotide variant.
Coding change: c.785+1G>A on transcript NM_001304360.2 (MANE Select); the canonical splice donor site of the intron after coding-DNA position 785, G replaced by A.
Molecular consequence: splice donor variant.
Genome position (GRCh38, 1-based): chr1:1,972,936, C>T on the plus strand (G>A on the coding strand, the complement: CFAP74 is on the minus strand). VCF-style: chr1-1972936-C-T. GRCh37 (hg19) VCF-style: chr1-1904375-C-T.
Identifiers: ClinVar variation 2578557 (VCV002578557.25), dbSNP rs2525474043, ClinGen allele CA337945756.